The following is an entry in ClinVar:

ClinVar aggregate classification (germline): Likely benign. Review status: criteria provided, multiple submitters, no conflicts (2 of 4 stars). 4 submissions from 4 submitters: Likely benign (4). Last evaluated 2025-09-12.

Conditions:
Familial thoracic aortic aneurysm and aortic dissection (TAAD). Also called: Thoracic aortic aneurysms and dissections. Identifiers: Orphanet 91387, MedGen C4707243, MONDO:0019625.
Aortic aneurysm, familial thoracic 6 (AAT6). Also called: FAMILIAL THORACIC AORTIC ANEURYSM WITH LIVEDO RETICULARIS AND IRIS FLOCCULI. Identifiers: MedGen C2673186, MONDO:0012730, OMIM 611788.

Allele frequency attached by ClinVar (database versions not stated): gnomAD 0.00001.
gnomAD v4.1: 13 of 1,613,850 alleles (0.00081%); highest among the groups gnomAD compares: Non-Finnish European, 0.0011%; no homozygotes.

Submissions (4):

Ambry Genetics
Classification: Likely benign for Familial thoracic aortic aneurysm and aortic dissection. Last evaluated: 2025-09-12. Review status: criteria provided, single submitter. Criteria: Ambry Variant Classification Scheme 2023. Collection method: clinical testing. Allele origin: germline.

Labcorp Genetics (formerly Invitae), Labcorp
Classification: Likely benign for Aortic aneurysm, familial thoracic 6. Last evaluated: 2025-06-20. Review status: criteria provided, single submitter. Criteria: Invitae Variant Classification Sherloc (09022015). Collection method: clinical testing. Allele origin: germline.

All of Us Research Program, National Institutes of Health
Classification: Likely benign for Familial thoracic aortic aneurysm and aortic dissection. Last evaluated: 2024-05-14. Review status: criteria provided, single submitter. Criteria: ACMG Guidelines, 2015. Collection method: clinical testing. Allele origin: germline. Inheritance: Autosomal dominant inheritance. Observed: 2 variant alleles, 2 heterozygotes.
Comment: This study involves interpretation of variants in research participants for the purpose of population health screening. Participant phenotype was not available at the time of variant classification. Additional details can be found in publication PMID: 35346344, PMCID: PMC8962531

Color Diagnostics, LLC DBA Color Health
Classification: Likely benign for Familial thoracic aortic aneurysm and aortic dissection. Last evaluated: 2019-02-01. Review status: criteria provided, single submitter. Criteria: ACMG Guidelines, 2015. Collection method: clinical testing. Allele origin: germline.

NM_001613.4(ACTA2):c.51G>C (p.Gly17=)

Gene: ACTA2 (actin alpha 2, smooth muscle; minus strand). Cytogenetic location: 10q23.31.
Variant type: single nucleotide variant.
Coding change: c.51G>C on transcript NM_001613.4 (MANE Select); coding-DNA position 51, G replaced by C.
Protein change: p.Gly17=; no amino-acid change (glycine 17 retained).
Molecular consequence: synonymous variant.
Genome position (GRCh38, 1-based): chr10:88,948,880, C>G on the plus strand (G>C on the coding strand, the complement: ACTA2 is on the minus strand). VCF-style: chr10-88948880-C-G. GRCh37 (hg19) VCF-style: chr10-90708637-C-G.
Other names: c.51G>C, p.Gly17= (NM_001141945.3, NM_001320855.2, NM_001406462.1 and 7 more transcripts).
Identifiers: ClinVar variation 926254 (VCV000926254.10), dbSNP rs1206769832, ClinGen allele CA470736979.